The following is an entry in ClinVar:

NM_201384.3(PLEC):c.602+4C>G

Gene: PLEC (plectin; minus strand). Cytogenetic location: 8q24.3.
Variant type: single nucleotide variant.
Coding change: c.602+4C>G on transcript NM_201384.3 (MANE Select); 4 bases into the intron after coding-DNA position 602, C replaced by G.
Molecular consequence: intron variant.
Genome position (GRCh38, 1-based): chr8:143,935,844, G>C on the plus strand (C>G on the coding strand, the complement: PLEC is on the minus strand). VCF-style: chr8-143935844-G-C. GRCh37 (hg19) VCF-style: chr8-145010012-G-C.
Other names: c.683+4C>G (NM_000445.5); c.560+4C>G (NM_201378.4); c.536+4C>G (NM_201379.3); c.1013+4C>G (NM_201380.4); c.506+4C>G (NM_201381.3); c.602+4C>G (NM_201382.4); c.614+4C>G (NM_201383.3).
Identifiers: ClinVar variation 658112 (VCV000658112.1), dbSNP rs1587163504, ClinGen allele CA915947429.
Genomic context (GRCh38, chr8:143,935,844, plus strand): 5'-TGCCTAGTGGAGGCGCTGTGGGGGTGCCCCCAGCCCACAGCCCCCTGCCCCCGGGGCCAT[G>C]TACTTGTGCCGGTGGATGATGGCATTGAAGAGGCGGCCGTCTCTCCAGCTGGAGGTGAAG-3'

ClinVar aggregate classification (germline): Uncertain significance (1 of 4 stars; one submission).

Conditions:
Epidermolysis bullosa simplex 5C, with pyloric atresia (EBS5C). Also called: Epidermolysis bullosa simplex with pyloric atresia; PLEC-Related Epidermolysis Bullosa with Pyloric Atresia; PLEC1-Related Epidermolysis Bullosa with Pyloric Atresia. Identifiers: Orphanet 158684, MedGen C2677349, MONDO:0012807, OMIM 612138.
Epidermolysis bullosa simplex 5B, with muscular dystrophy (EBS5B). Also called: Epidermolysis bullosa simplex with muscular dystrophy; EPIDERMOLYSIS BULLOSA SIMPLEX AND LIMB-GIRDLE MUSCULAR DYSTROPHY. Identifiers: Orphanet 257, MedGen C2931072, MONDO:0009181, OMIM 226670.
Epidermolysis bullosa simplex, Ogna type (EBS5A). Also called: Pidermolysis bullosa simplex 5A, Ogna type; EPIDERMOLYSIS BULLOSA SIMPLEX 5A, OGNA TYPE. Identifiers: Orphanet 79401, MedGen C0432317, MONDO:0007555, OMIM 131950.
Epidermolysis bullosa simplex with nail dystrophy (EBS5D). Identifiers: MedGen C4225309, MONDO:0014661, OMIM 616487.
Autosomal recessive limb-girdle muscular dystrophy type 2Q (LGMDR17). Also called: MUSCULAR DYSTROPHY, LIMB-GIRDLE, AUTOSOMAL RECESSIVE 17. Identifiers: Orphanet 254361, MedGen C3150989, MONDO:0013390, OMIM 613723.

Submission:

Labcorp Genetics (formerly Invitae), Labcorp
Classification: Uncertain significance for Limb-girdle muscular dystrophy, type 2Q; Epidermolysis bullosa simplex, Ogna type; Epidermolysis bullosa simplex with nail dystrophy; Epidermolysis bullosa simplex with pyloric atresia; Epidermolysa bullosa simplex and limb girdle muscular dystrophy. Last evaluated: 2018-09-27. Review status: criteria provided, single submitter. Criteria: Invitae Variant Classification Sherloc (09022015). Collection method: clinical testing. Allele origin: germline.
Comment: This sequence change falls in intron 7 of the PLEC gene. It does not directly change the encoded amino acid sequence of the PLEC protein, but it affects a nucleotide within the consensus splice site of the intron. This variant is not present in population databases (ExAC no frequency). This variant has not been reported in the literature in individuals with PLEC-related disease. Nucleotide substitutions within the consensus splice site are a relatively common cause of aberrant splicing (PMID: 17576681, 9536098). Algorithms developed to predict the effect of sequence changes on RNA splicing suggest that this variant may disrupt the consensus splice site, but this prediction has not been confirmed by published transcriptional studies. In summary, the available evidence is currently insufficient to determine the role of this variant in disease. Therefore, it has been classified as a Variant of Uncertain Significance.